The following is an entry in ClinVar:

NM_022773.4(LMF1):c.354C>G (p.Asp118Glu)

Gene: LMF1 (lipase maturation factor 1; minus strand). Cytogenetic location: 16p13.3.
Variant type: single nucleotide variant.
Coding change: c.354C>G on transcript NM_022773.4 (MANE Select); coding-DNA position 354, C replaced by G.
Protein change: p.Asp118Glu; replaces aspartic acid 118 with glutamic acid.
Molecular consequence: missense variant. On other transcripts: 5 prime UTR variant (3), non-coding transcript variant (1).
Genome position (GRCh38, 1-based): chr16:954,506, G>C on the plus strand (C>G on the coding strand, the complement: LMF1 is on the minus strand). VCF-style: chr16-954506-G-C. GRCh37 (hg19) VCF-style: chr16-1004506-G-C.
Other names: c.-450C>G (NM_001352017.2); c.-201C>G (NM_001352018.2); c.27C>G, p.Asp9Glu (NM_001352019.2); c.354C>G, p.Asp118Glu (NM_001352020.1); c.-352C>G (NM_001352021.2); short protein forms D9E, D118E.
Identifiers: ClinVar variation 1732563 (VCV001732563.2), dbSNP rs2548398660, ClinGen allele CA394104779.

ClinVar aggregate classification (germline): Uncertain significance (1 of 4 stars; one submission).

Conditions:
Cardiovascular phenotype. Identifiers: MedGen CN230736.

Submission:

Ambry Genetics
Classification: Uncertain significance for Cardiovascular phenotype. Last evaluated: 2022-05-06. Review status: criteria provided, single submitter. Criteria: Ambry Variant Classification Scheme 2023. Collection method: clinical testing. Allele origin: germline.
Comment: The p.D118E variant (also known as c.354C>G), located in coding exon 2 of the LMF1 gene, results from a C to G substitution at nucleotide position 354. The aspartic acid at codon 118 is replaced by glutamic acid, an amino acid with highly similar properties. This amino acid position is conserved. In addition, the in silico prediction for this alteration is inconclusive. Since supporting evidence is limited at this time, the clinical significance of this alteration remains unclear.